The following is an entry in ClinVar:

NM_015662.3(IFT172):c.3401G>T (p.Arg1134Leu)

Gene: IFT172 (intraflagellar transport 172; minus strand). Cytogenetic location: 2p23.3.
Variant type: single nucleotide variant.
Coding change: c.3401G>T on transcript NM_015662.3 (MANE Select); coding-DNA position 3401, G replaced by T.
Protein change: p.Arg1134Leu; replaces arginine 1134 with leucine.
Molecular consequence: missense variant.
Genome position (GRCh38, 1-based): chr2:27,454,631, C>A on the plus strand (G>T on the coding strand, the complement: IFT172 is on the minus strand). VCF-style: chr2-27454631-C-A. GRCh37 (hg19) VCF-style: chr2-27677498-C-A.
Other names: short protein forms R1134L.
Identifiers: ClinVar variation 252701 (VCV000252701.42), dbSNP rs148624326, ClinGen allele CA1579995.

ClinVar aggregate classification (germline): Benign/Likely benign. Review status: criteria provided, multiple submitters, no conflicts (2 of 4 stars). 10 submissions from 10 submitters: Benign (2); Likely benign (5). 3 of the submissions do not count toward it. Last evaluated 2026-10-01.

Conditions:
Retinitis pigmentosa 71 (RP71). Identifiers: Orphanet 791, MedGen C4225342, MONDO:0014618, OMIM 616394.
Short-rib thoracic dysplasia 10 with or without polydactyly (SRTD10). Identifiers: Orphanet 474, MedGen C3810175, MONDO:0014284, OMIM 615630.

Allele frequency attached by ClinVar (database versions not stated): 1000 Genomes Project 30x 0.00250; 1000 Genomes Project 0.00260; TOPMed 0.00342; ESP Exome Variant Server 0.00400; ExAC 0.00490; gnomAD 0.00509 and 0.00526; gnomAD exomes 0.00536.
gnomAD v4.1: 8,810 of 1,613,892 alleles (0.55%); highest among the groups gnomAD compares: Middle Eastern, 0.78%; 32 homozygotes.

Submissions (32):

CeGaT Center for Human Genetics Tuebingen
Classification: Likely benign. Last evaluated: 2026-10-01. Review status: criteria provided, single submitter. Criteria: CeGaT Center For Human Genetics Tuebingen Variant Classification Criteria Version 2. Collection method: clinical testing. Allele origin: germline. Affected: yes. Observed: 19 variant alleles.
Comment: IFT172: BP4, BS2

Labcorp Genetics (formerly Invitae), Labcorp
Classification: Benign for Retinitis pigmentosa 71; Short-rib thoracic dysplasia 10 with or without polydactyly. Last evaluated: 2026-02-02. Review status: criteria provided, single submitter. Criteria: Invitae Variant Classification Sherloc (09022015). Collection method: clinical testing. Allele origin: germline.

Genomic Medicine Center of Excellence, King Faisal Specialist Hospital and Research Centre
Classification: Likely benign. Last evaluated: 2025-08-18. Review status: criteria provided, single submitter. Criteria: ACMG Guidelines, 2015. Collection method: clinical testing. Allele origin: germline.

Blueprint Genetics
Classification: Likely benign. Last evaluated: 2024-11-25. Review status: criteria provided, single submitter. Criteria: ACMG Guidelines, 2015. Collection method: clinical testing. Allele origin: germline.

GeneDx
Classification: Benign. Last evaluated: 2017-03-28. Review status: criteria provided, single submitter. Criteria: GeneDx Variant Classification (06012015). Collection method: clinical testing. Allele origin: germline. Affected: yes.
Comment: This variant is considered likely benign or benign based on one or more of the following criteria: it is a conservative change, it occurs at a poorly conserved position in the protein, it is predicted to be benign by multiple in silico algorithms, and/or has population frequency not consistent with disease.

Genomic Diagnostic Laboratory, Division of Genomic Diagnostics, Children's Hospital of Philadelphia
Classification: Likely benign. Last evaluated: 2015-11-20. Review status: criteria provided, single submitter. Criteria: DGD Variant Analysis Guidelines. Collection method: clinical testing. Allele origin: unknown.

Breakthrough Genomics
Classification: Likely benign. Review status: criteria provided, single submitter. Criteria: ACMG Guidelines, 2015. Collection method: not provided. Allele origin: germline. Inheritance: Autosomal recessive inheritance. Affected: yes.

Clinical Genetics, Academic Medical Center
Classification: Benign. Review status: no assertion criteria provided. Collection method: clinical testing. Allele origin: germline. Affected: yes. Study: VKGL Data-share Consensus. Not counted in ClinVar's aggregate classification.

Dr. Peter K. Rogan Lab, Western University
No classification provided (evidence only). Condition: Clear cell carcinoma of kidney. Review status: no classification provided. Collection method: in vitro. Allele origin: not applicable. Functional consequence: retained intron. Not counted in ClinVar's aggregate classification.

Dr. Peter K. Rogan Lab, Western University
No classification provided (evidence only). Condition: Clear cell carcinoma of kidney. Review status: no classification provided. Collection method: in vitro. Allele origin: not applicable. Functional consequence: retained intron. Not counted in ClinVar's aggregate classification.

Dr. Peter K. Rogan Lab, Western University
No classification provided (evidence only). Condition: Clear cell carcinoma of kidney. Review status: no classification provided. Collection method: in vitro. Allele origin: not applicable. Functional consequence: retained intron. Not counted in ClinVar's aggregate classification.

Dr. Peter K. Rogan Lab, Western University
No classification provided (evidence only). Condition: Lung cancer. Review status: no classification provided. Collection method: in vitro. Allele origin: not applicable. Functional consequence: retained intron. Not counted in ClinVar's aggregate classification.

Dr. Peter K. Rogan Lab, Western University
No classification provided (evidence only). Condition: Lung cancer. Review status: no classification provided. Collection method: in vitro. Allele origin: not applicable. Functional consequence: retained intron. Not counted in ClinVar's aggregate classification.

Dr. Peter K. Rogan Lab, Western University
No classification provided (evidence only). Condition: Melanoma. Review status: no classification provided. Collection method: in vitro. Allele origin: not applicable. Functional consequence: retained intron. Not counted in ClinVar's aggregate classification.

Dr. Peter K. Rogan Lab, Western University
No classification provided (evidence only). Condition: Melanoma. Review status: no classification provided. Collection method: in vitro. Allele origin: not applicable. Functional consequence: retained intron. Not counted in ClinVar's aggregate classification.

Dr. Peter K. Rogan Lab, Western University
No classification provided (evidence only). Condition: Familial cancer of breast. Review status: no classification provided. Collection method: in vitro. Allele origin: not applicable. Functional consequence: retained intron. Not counted in ClinVar's aggregate classification.

Dr. Peter K. Rogan Lab, Western University
No classification provided (evidence only). Condition: Colon adenocarcinoma. Review status: no classification provided. Collection method: in vitro. Allele origin: not applicable. Functional consequence: retained intron. Not counted in ClinVar's aggregate classification.

Dr. Peter K. Rogan Lab, Western University
No classification provided (evidence only). Condition: Colorectal cancer. Review status: no classification provided. Collection method: in vitro. Allele origin: not applicable. Functional consequence: retained intron. Not counted in ClinVar's aggregate classification.

Dr. Peter K. Rogan Lab, Western University
No classification provided (evidence only). Condition: Thyroid cancer, nonmedullary, 1. Review status: no classification provided. Collection method: in vitro. Allele origin: not applicable. Functional consequence: skipped exon, retained intron. Not counted in ClinVar's aggregate classification.

Dr. Peter K. Rogan Lab, Western University
No classification provided (evidence only). Condition: Thyroid cancer, nonmedullary, 1. Review status: no classification provided. Collection method: in vitro. Allele origin: not applicable. Functional consequence: retained intron. Not counted in ClinVar's aggregate classification.

Dr. Peter K. Rogan Lab, Western University
No classification provided (evidence only). Condition: Thyroid cancer, nonmedullary, 1. Review status: no classification provided. Collection method: in vitro. Allele origin: not applicable. Functional consequence: retained intron. Not counted in ClinVar's aggregate classification.

Dr. Peter K. Rogan Lab, Western University
No classification provided (evidence only). Condition: Cervical cancer. Review status: no classification provided. Collection method: in vitro. Allele origin: not applicable. Functional consequence: retained intron. Not counted in ClinVar's aggregate classification.

Dr. Peter K. Rogan Lab, Western University
No classification provided (evidence only). Condition: Cervical cancer. Review status: no classification provided. Collection method: in vitro. Allele origin: not applicable. Functional consequence: retained intron. Not counted in ClinVar's aggregate classification.

Dr. Peter K. Rogan Lab, Western University
No classification provided (evidence only). Condition: Sarcoma. Review status: no classification provided. Collection method: in vitro. Allele origin: not applicable. Functional consequence: retained intron. Not counted in ClinVar's aggregate classification.

Dr. Peter K. Rogan Lab, Western University
No classification provided (evidence only). Condition: Sarcoma. Review status: no classification provided. Collection method: in vitro. Allele origin: not applicable. Functional consequence: retained intron. Not counted in ClinVar's aggregate classification.

Dr. Peter K. Rogan Lab, Western University
No classification provided (evidence only). Condition: Ovarian serous cystadenocarcinoma. Review status: no classification provided. Collection method: in vitro. Allele origin: not applicable. Functional consequence: retained intron. Not counted in ClinVar's aggregate classification.

Dr. Peter K. Rogan Lab, Western University
No classification provided (evidence only). Condition: Ovarian serous cystadenocarcinoma. Review status: no classification provided. Collection method: in vitro. Allele origin: not applicable. Functional consequence: retained intron. Not counted in ClinVar's aggregate classification.

Dr. Peter K. Rogan Lab, Western University
No classification provided (evidence only). Condition: Ovarian serous cystadenocarcinoma. Review status: no classification provided. Collection method: in vitro. Allele origin: not applicable. Functional consequence: retained intron. Not counted in ClinVar's aggregate classification.

Dr. Peter K. Rogan Lab, Western University
No classification provided (evidence only). Condition: Gastric cancer. Review status: no classification provided. Collection method: in vitro. Allele origin: not applicable. Functional consequence: retained intron. Not counted in ClinVar's aggregate classification.

Dr. Peter K. Rogan Lab, Western University
No classification provided (evidence only). Condition: Uterine carcinosarcoma. Review status: no classification provided. Collection method: in vitro. Allele origin: not applicable. Functional consequence: retained intron. Not counted in ClinVar's aggregate classification.

Genome Diagnostics Laboratory, University Medical Center Utrecht
Classification: Benign. Review status: no assertion criteria provided. Collection method: clinical testing. Allele origin: germline. Affected: yes. Study: VKGL Data-share Consensus. Not counted in ClinVar's aggregate classification.

Laboratory of Diagnostic Genome Analysis, Leiden University Medical Center (LUMC)
Classification: Likely benign. Review status: no assertion criteria provided. Collection method: clinical testing. Allele origin: germline. Affected: yes. Study: VKGL Data-share Consensus. Not counted in ClinVar's aggregate classification.